The following is an entry in ClinVar:

ClinVar aggregate classification (germline): Conflicting classifications of pathogenicity. Review status: criteria provided, conflicting classifications (1 of 4 stars). 3 submissions from 3 submitters: Uncertain significance (1); Benign (1). 1 of the submissions does not count toward it. Last evaluated 2022-05-01.

Conditions:
Disorder of sexual differentiation. Also called: Disorder of sex development; Difference of sexual differentiation. Identifiers: Orphanet 90771, MedGen C2930619, MONDO:0002145.

Submissions (3):

CeGaT Center for Human Genetics Tuebingen
Classification: Benign. Last evaluated: 2022-05-01. Review status: criteria provided, single submitter. Criteria: CeGaT Center For Human Genetics Tuebingen Variant Classification Criteria Version 2. Collection method: clinical testing. Allele origin: germline. Affected: yes. Observed: 1 variant allele.
Comment: TGIF1: BS1, BS2

Breakthrough Genomics
Classification: Uncertain significance. Review status: criteria provided, single submitter. Criteria: ACMG Guidelines, 2015. Collection method: not provided. Allele origin: germline. Inheritance: Autosomal dominant inheritance. Affected: yes.

Human Developmental Genetics, Institut Pasteur
Classification: Uncertain significance for Disorder of sexual differentiation. Last evaluated: 2021-08-15. Review status: no assertion criteria provided. Collection method: research. Allele origin: maternal. Inheritance: Autosomal dominant inheritance. Affected: yes. Not counted in ClinVar's aggregate classification.

NM_003244.4(TGIF1):c.16+1719dup

Gene: TGIF1 (TGFB induced factor homeobox 1; plus strand). Cytogenetic location: 18p11.31.
Variant type: Duplication.
Coding change: c.16+1719dup on transcript NM_003244.4 (MANE Select); 1719 bases into the intron after coding-DNA position 16, one base duplicated (C; older notation c.16+1719dupC).
Molecular consequence: intron variant. On other transcripts: 5 prime UTR variant (1).
Genome position (GRCh38, 1-based): chr18:3,452,224, C duplicated; the last of 7 consecutive C bases (chr18:3,452,218-3,452,224); duplicating any one gives the same sequence. VCF-style (leftmost placement, unchanged base first): chr18-3452217-G-GC. GRCh37 (hg19) VCF-style: chr18-3452215-G-GC.
Other names: c.-203dup (NM_170695.5); c.-44-4130dup (NM_174886.3, NM_001278686.3); c.59-4130dup (NM_173207.4); c.-45+3685dup (NM_001374396.1); c.25+2568dup (NM_001278682.2); c.16+1719dup (NM_173208.3, NM_001278684.2); c.-45+2154dup (NM_173209.3); c.-45+449dup (NM_173210.4); and 1 more.
Identifiers: ClinVar variation 1202606 (VCV001202606.27), dbSNP rs11571509, ClinGen allele CA8875782.
Genomic context (GRCh38, chr18:3,452,217, plus strand): 5'-CTTCCCCCAGCGCCGTGGTCCTCCCTGGCGACCCCCTCTGCGCTCCTGGGGTCCTCCTGC[G>GC]CCCCCCCTCCTCCACCGGCGCGCTGCCCACAGCCGCGTGCCCTCTCCCCGGAGCTGGGGA-3'